The following is an entry in ClinVar:

NM_001042492.3(NF1):c.479+1G>C

Gene: NF1 (neurofibromin 1; plus strand). Cytogenetic location: 17q11.2.
Variant type: single nucleotide variant.
Coding change: c.479+1G>C on transcript NM_001042492.3 (MANE Select); the canonical splice donor site of the intron after coding-DNA position 479, G replaced by C.
Molecular consequence: splice donor variant.
Genome position (GRCh38, 1-based): chr17:31,163,377, G>C. VCF-style: chr17-31163377-G-C. GRCh37 (hg19) VCF-style: chr17-29490395-G-C.
Other names: c.479+1G>C (NM_000267.4, NM_001128147.3, NM_001042492.2).
Identifiers: ClinVar variation 949678 (VCV000949678.10), dbSNP rs1555606137, ClinGen allele CA398982220.
Genomic context (GRCh38, chr17:31,163,377, plus strand): 5'-GGTTTTATTTTCTCTCAGCTGCAACAACTTCAATGCAGTCTTTAGTCGCATTTCTACCAG[G>C]TTAGTGTGTAAATCCACATGGGACTACTGAAGTAATATGAATATTAGAAGTTTTGTTTTT-3'

ClinVar aggregate classification (germline): Pathogenic. Review status: criteria provided, multiple submitters, no conflicts (2 of 4 stars). 4 submissions from 4 submitters: Pathogenic (4). Last evaluated 2025-04-16.

Conditions:
Neurofibromatosis, type 1 (NF1). Also called: NEUROFIBROMATOSIS, TYPE I, SOMATIC; Peripheral type neurofibromatosis; Neurofibromatosis, type I; VON RECKLINGHAUSEN DISEASE. Identifiers: Orphanet 636, MedGen C0027831, MONDO:0018975, OMIM 162200. Disease mechanism: loss of function.

Submissions (4):

Labcorp Genetics (formerly Invitae), Labcorp
Classification: Pathogenic for Neurofibromatosis, type 1. Last evaluated: 2025-04-16. Review status: criteria provided, single submitter. Criteria: Invitae Variant Classification Sherloc (09022015). Collection method: clinical testing. Allele origin: germline.
Comment: This sequence change affects a donor splice site in intron 4 of the NF1 gene. It is expected to disrupt RNA splicing. Variants that disrupt the donor or acceptor splice site typically lead to a loss of protein function (PMID: 16199547), and loss-of-function variants in NF1 are known to be pathogenic (PMID: 10712197, 23913538). This variant is not present in population databases (gnomAD no frequency). Disruption of this splice site has been observed in individual(s) with neurofibromatosis type 1 (PMID: 18546366, 23913538; internal data). ClinVar contains an entry for this variant (Variation ID: 949678). Algorithms developed to predict the effect of sequence changes on RNA splicing suggest that this variant may disrupt the consensus splice site. For these reasons, this variant has been classified as Pathogenic.

NHS Central & South Genomic Laboratory Hub
Classification: Pathogenic for Neurofibromatosis type 1. Last evaluated: 2024-11-11. Review status: criteria provided, single submitter. Criteria: ACMG Guidelines, 2015. Collection method: clinical testing. Allele origin: germline. Affected: yes.

GeneDx
Classification: Pathogenic. Last evaluated: 2023-11-22. Review status: criteria provided, single submitter. Criteria: GeneDx Variant Classification Process June 2021. Collection method: clinical testing. Allele origin: germline. Affected: yes.
Comment: Canonical splice site variant predicted to result in a null allele in a gene for which loss-of-function is a known mechanism of disease; Not observed in large population cohorts (gnomAD); Observed in an individual with a personal or family history consistent with pathogenic variants in this gene (PMID: 23913538); Also known as NF1 IVS4a+1G>C; This variant is associated with the following publications: (PMID: 23913538)

Clinical Genetics Service, Universitary Hospital 12 de Octubre
Classification: Pathogenic for Neurofibromatosis, type 1. Review status: criteria provided, single submitter. Criteria: ACMG Guidelines, 2015. Collection method: clinical testing. Allele origin: germline. Affected: yes.

Literature cited by the submitters: PubMed 16199547 (cited by Labcorp Genetics (formerly Invitae), Labcorp); PubMed 10712197 (cited by Labcorp Genetics (formerly Invitae), Labcorp); PubMed 23913538 (cited by Labcorp Genetics (formerly Invitae), Labcorp); PubMed 18546366 (cited by Labcorp Genetics (formerly Invitae), Labcorp).